The following is an entry in ClinVar:

NM_000371.4(TTR):c.375C>T (p.Tyr125=)

Gene: TTR (transthyretin; plus strand). Cytogenetic location: 18q12.1.
Variant type: single nucleotide variant.
Coding change: c.375C>T on transcript NM_000371.4 (MANE Select); coding-DNA position 375, C replaced by T.
Protein change: p.Tyr125=; no amino-acid change (tyrosine 125 retained).
Molecular consequence: synonymous variant.
Genome position (GRCh38, 1-based): chr18:31,598,606, C>T. VCF-style: chr18-31598606-C-T. GRCh37 (hg19) VCF-style: chr18-29178569-C-T.
Identifiers: ClinVar variation 412958 (VCV000412958.34), dbSNP rs749079577, ClinGen allele CA16616068.

ClinVar aggregate classification (germline): Likely benign. Review status: criteria provided, multiple submitters, no conflicts (2 of 4 stars). 6 submissions from 6 submitters: Likely benign (6). Last evaluated 2025-12-21.

Conditions:
Cardiovascular phenotype. Identifiers: MedGen CN230736.
Amyloidosis, hereditary systemic 1 (AMYLD1). Also called: AMYLOID CARDIOMYOPATHY; Hereditary Transthyretin Amyloidosis; Isolated Cardiac Amyloidosis; Amyloid Cardiomyopathy, Transthyretin-related; Familial amyloid polyneuropathy; Transthyretin Amyloidosis. Identifiers: Orphanet 85447, Orphanet 85451, MedGen C2751492, MONDO:0971004, OMIM 105210.

Allele frequency attached by ClinVar (database versions not stated): gnomAD 0.00004 and 0.00005; TOPMed 0.00011.
gnomAD v4.1: 28 of 1,614,230 alleles (0.0017%); highest among the groups gnomAD compares: Admixed American, 0.028%; no homozygotes.

Submissions (6):

Labcorp Genetics (formerly Invitae), Labcorp
Classification: Likely benign for Amyloidosis, hereditary systemic 1. Last evaluated: 2025-12-21. Review status: criteria provided, single submitter. Criteria: Invitae Variant Classification Sherloc (09022015). Collection method: clinical testing. Allele origin: germline.

Women's Health and Genetics/Laboratory Corporation of America, LabCorp
Classification: Likely benign. Last evaluated: 2024-10-27. Review status: criteria provided, single submitter. Criteria: LabCorp Variant Classification Summary - May 2015. Collection method: clinical testing. Allele origin: germline.

CeGaT Center for Human Genetics Tuebingen
Classification: Likely benign. Last evaluated: 2024-06-01. Review status: criteria provided, single submitter. Criteria: CeGaT Center For Human Genetics Tuebingen Variant Classification Criteria Version 2. Collection method: clinical testing. Allele origin: germline. Affected: yes. Observed: 1 variant allele.
Comment: TTR: BP4

Athena Diagnostics
Classification: Likely benign. Last evaluated: 2020-12-28. Review status: criteria provided, single submitter. Criteria: Athena Diagnostics criteria. Collection method: clinical testing. Allele origin: unknown.

GeneDx
Classification: Likely benign. Last evaluated: 2020-01-03. Review status: criteria provided, single submitter. Criteria: GeneDx Variant Classification Process June 2021. Collection method: clinical testing. Allele origin: germline. Affected: yes.

Ambry Genetics
Classification: Likely benign for Cardiovascular phenotype. Last evaluated: 2019-07-11. Review status: criteria provided, single submitter. Criteria: Ambry Variant Classification Scheme 2023. Collection method: clinical testing. Allele origin: germline.